The following is an entry in ClinVar:

NM_001042492.3(NF1):c.6211C>T (p.Gln2071Ter)

Gene: NF1 (neurofibromin 1; plus strand). Cytogenetic location: 17q11.2.
Variant type: single nucleotide variant.
Coding change: c.6211C>T on transcript NM_001042492.3 (MANE Select); coding-DNA position 6211, C replaced by T.
Protein change: p.Gln2071Ter; replaces glutamine 2071 with a stop codon.
Molecular consequence: nonsense.
Genome position (GRCh38, 1-based): chr17:31,336,698, C>T. VCF-style: chr17-31336698-C-T. GRCh37 (hg19) VCF-style: chr17-29663716-C-T.
Other names: c.6148C>T, p.Gln2050Ter (NM_000267.4); short protein forms Q2050*, Q2071*.
Identifiers: ClinVar variation 431668 (VCV000431668.7), dbSNP rs1135402884, ClinGen allele CA399011917.
Genomic context (GRCh38, chr17:31,336,698, plus strand): 5'-ATTGGAAGGATGTGCAAAATAATTGACAAGACATGCTTATCTCCAACTCCTACTTTAGAA[C>T]AACATCTTATGTGGGATGATATTGCTATTTTAGCACGCTACATGCTGATGCTGTCCTTCA-3'

ClinVar aggregate classification (germline): Pathogenic. Review status: criteria provided, single submitter (1 of 4 stars). 3 submissions from 3 submitters: Pathogenic (1). 2 of the submissions do not count toward it. Last evaluated 2021-12-18.

Conditions:
Malignant tumor of urinary bladder. Also called: Urinary bladder cancer; Bladder cancer; Urinary Bladder Neoplasms. Identifiers: MedGen C0005684, MONDO:0001187, OMIM 109800.
Neurofibromatosis, type 1 (NF1). Also called: Neurofibromatosis, type I; NEUROFIBROMATOSIS, TYPE I, SOMATIC; Peripheral type neurofibromatosis; VON RECKLINGHAUSEN DISEASE. Identifiers: Orphanet 636, MedGen C0027831, MONDO:0018975, OMIM 162200. Disease mechanism: loss of function.

Submissions (3):

Labcorp Genetics (formerly Invitae), Labcorp
Classification: Pathogenic for Neurofibromatosis, type 1. Last evaluated: 2021-12-18. Review status: criteria provided, single submitter. Criteria: Invitae Variant Classification Sherloc (09022015). Collection method: clinical testing. Allele origin: germline.
Comment: This sequence change creates a premature translational stop signal (p.Gln2050*) in the NF1 gene. It is expected to result in an absent or disrupted protein product. Loss-of-function variants in NF1 are known to be pathogenic (PMID: 10712197, 23913538). This variant is not present in population databases (gnomAD no frequency). This premature translational stop signal has been observed in individual(s) with clinical features of neurofibromatosis type 1 (PMID: 28961165). ClinVar contains an entry for this variant (Variation ID: 431668). For these reasons, this variant has been classified as Pathogenic.

Medical Genetics, University of Parma
Classification: Pathogenic for Neurofibromatosis type 1. Last evaluated: 2017-02-02. Review status: no assertion criteria provided. Collection method: clinical testing. Allele origin: germline. Affected: yes. Not counted in ClinVar's aggregate classification.

Laboratory of Urology, Hospital Clinic de Barcelona
Classification: Pathogenic for Malignant tumor of urinary bladder. Review status: no assertion criteria provided. Collection method: research. Allele origin: somatic. Affected: yes. Not counted in ClinVar's aggregate classification.

Literature cited by the submitters: PubMed 10712197 (cited by Labcorp Genetics (formerly Invitae), Labcorp); PubMed 23913538 (cited by Labcorp Genetics (formerly Invitae), Labcorp); PubMed 28961165 (cited by Labcorp Genetics (formerly Invitae), Labcorp).